The following is an entry in ClinVar:

NM_000836.4(GRIN2D):c.2959G>A (p.Ala987Thr)

Gene: GRIN2D (glutamate ionotropic receptor NMDA type subunit 2D; plus strand). Cytogenetic location: 19q13.33.
Variant type: single nucleotide variant.
Coding change: c.2959G>A on transcript NM_000836.4 (MANE Select); coding-DNA position 2959, G replaced by A.
Protein change: p.Ala987Thr; replaces alanine 987 with threonine.
Molecular consequence: missense variant.
Genome position (GRCh38, 1-based): chr19:48,442,885, G>A. VCF-style: chr19-48442885-G-A. GRCh37 (hg19) VCF-style: chr19-48946142-G-A.
Other names: short protein forms A987T.
Identifiers: ClinVar variation 2075553 (VCV002075553.4), dbSNP rs1971318024, ClinGen allele CA406674413.

ClinVar aggregate classification (germline): Uncertain significance (1 of 4 stars; one submission).

Allele frequency attached by ClinVar (database versions not stated): gnomAD exomes below 0.00001.

Submission:

Labcorp Genetics (formerly Invitae), Labcorp
Classification: Uncertain significance. Last evaluated: 2022-01-05. Review status: criteria provided, single submitter. Criteria: Invitae Variant Classification Sherloc (09022015). Collection method: clinical testing. Allele origin: germline.
Comment: This sequence change replaces alanine, which is neutral and non-polar, with threonine, which is neutral and polar, at codon 987 of the GRIN2D protein (p.Ala987Thr). The frequency data for this variant in the population databases is considered unreliable, as metrics indicate insufficient coverage at this position in the gnomAD database. This variant has not been reported in the literature in individuals affected with GRIN2D-related conditions. Advanced modeling of protein sequence and biophysical properties (such as structural, functional, and spatial information, amino acid conservation, physicochemical variation, residue mobility, and thermodynamic stability) performed at Invitae indicates that this missense variant is not expected to disrupt GRIN2D protein function. In summary, the available evidence is currently insufficient to determine the role of this variant in disease. Therefore, it has been classified as a Variant of Uncertain Significance.